The following is an entry in ClinVar:

ClinVar aggregate classification (germline): Likely pathogenic (1 of 4 stars; one submission).

Conditions:
Thrombophilia due to protein S deficiency, autosomal recessive (THPH6). Identifiers: Orphanet 743, MedGen C3281092, MONDO:0013791, OMIM 614514. Disease mechanism: loss of function.

Submission:

Labcorp Genetics (formerly Invitae), Labcorp
Classification: Likely pathogenic for Thrombophilia due to protein S deficiency, autosomal recessive. Last evaluated: 2025-08-17. Review status: criteria provided, single submitter. Criteria: Invitae Variant Classification Sherloc (09022015). Collection method: clinical testing. Allele origin: germline.
Comment: This sequence change affects an acceptor splice site in intron 10 of the PROS1 gene. It is expected to disrupt RNA splicing. Variants that disrupt the donor or acceptor splice site typically lead to a loss of protein function (PMID: 16199547), and loss-of-function variants in PROS1 are known to be pathogenic (PMID: 9241758). This variant is not present in population databases (gnomAD no frequency). This variant has not been reported in the literature in individuals affected with PROS1-related conditions. Algorithms developed to predict the effect of sequence changes on RNA splicing suggest that this variant may disrupt the consensus splice site. In summary, the currently available evidence indicates that the variant is pathogenic, but additional data are needed to prove that conclusively. Therefore, this variant has been classified as Likely Pathogenic.

Literature cited by the submitters: PubMed 16199547; PubMed 9241758.

NM_000313.4(PROS1):c.1156-2A>G

Gene: PROS1 (protein S; minus strand). Cytogenetic location: 3q11.1.
Variant type: single nucleotide variant.
Coding change: c.1156-2A>G on transcript NM_000313.4 (MANE Select); the canonical splice acceptor site of the intron before coding-DNA position 1156, A replaced by G.
Molecular consequence: splice acceptor variant.
Genome position (GRCh38, 1-based): chr3:93,886,505, T>C on the plus strand (A>G on the coding strand, the complement: PROS1 is on the minus strand). VCF-style: chr3-93886505-T-C. GRCh37 (hg19) VCF-style: chr3-93605349-T-C.
Other names: c.1252-2A>G (NM_001314077.2).
Identifiers: ClinVar variation 4725577 (VCV004725577.1).